The following is an entry in ClinVar:

NM_000350.3(ABCA4):c.4710del (p.Ile1571fs)

Genes: ABCA4 (ATP binding cassette subfamily A member 4; minus strand), LOC126805793 (CDK7 strongly-dependent group 2 enhancer GRCh37_chr1:94486302-94487501; plus strand). Cytogenetic location: 1p22.1.
Variant type: Deletion.
Coding change: c.4710del on transcript NM_000350.3 (MANE Select); coding-DNA position 4710, one base deleted (C; older notation c.4710delC).
Protein change: p.Ile1571fs; shifts the reading frame from isoleucine 1571.
Molecular consequence: frameshift variant.
Genome position (GRCh38, 1-based): chr1:94,021,909, G deleted on the plus strand (C on the coding strand, the reverse complement: ABCA4 is on the minus strand); the first of 4 consecutive G bases (chr1:94,021,909-94,021,912); deleting any one gives the same sequence. VCF-style (leftmost placement, unchanged base first): chr1-94021908-TG-T. GRCh37 (hg19) VCF-style: chr1-94487464-TG-T.
Other names: c.4485delC, p.Ile1497Serfs (NM_001425324.1); short protein forms I1571fs.
Identifiers: ClinVar variation 99312 (VCV000099312.3), dbSNP rs281865381, ClinGen allele CA227227.

ClinVar aggregate classification (germline): Pathogenic/Likely pathogenic. Review status: criteria provided, multiple submitters, no conflicts (2 of 4 stars). 3 submissions from 3 submitters: Pathogenic (1); Likely pathogenic (1). 1 of the submissions does not count toward it. Last evaluated 2023-06-29.

Conditions:
ABCA4-related disorder. Also called: ABCA4-related disorders; ABCA4-related condition. Identifiers: MedGen CN239167.

Submissions (3):

Blueprint Genetics
Classification: Likely pathogenic for ABCA4-related disorders. Last evaluated: 2023-06-29. Review status: criteria provided, single submitter. Criteria: ACMG Guidelines, 2015. Collection method: clinical testing. Allele origin: germline. Affected: yes. Observed: 2 variant alleles.

Labcorp Genetics (formerly Invitae), Labcorp
Classification: Pathogenic. Last evaluated: 2022-12-22. Review status: criteria provided, single submitter. Criteria: Invitae Variant Classification Sherloc (09022015). Collection method: clinical testing. Allele origin: germline.
Comment: For these reasons, this variant has been classified as Pathogenic. ClinVar contains an entry for this variant (Variation ID: 99312). This premature translational stop signal has been observed in individual(s) with Stargardt disease (PMID: 11527935, 29178665). This variant is not present in population databases (gnomAD no frequency). This sequence change creates a premature translational stop signal (p.Ile1571Serfs*10) in the ABCA4 gene. It is expected to result in an absent or disrupted protein product. Loss-of-function variants in ABCA4 are known to be pathogenic (PMID: 10958761, 24938718, 25312043, 26780318).

Retina International
No classification provided. Review status: no classification provided. Collection method: not provided. Allele origin: not provided. Not counted in ClinVar's aggregate classification.

Literature cited by the submitters: PubMed 11527935 (cited by Labcorp Genetics (formerly Invitae), Labcorp); PubMed 29178665 (cited by Labcorp Genetics (formerly Invitae), Labcorp); PubMed 10958761 (cited by Labcorp Genetics (formerly Invitae), Labcorp); PubMed 24938718 (cited by Labcorp Genetics (formerly Invitae), Labcorp); PubMed 25312043 (cited by Labcorp Genetics (formerly Invitae), Labcorp); PubMed 26780318 (cited by Labcorp Genetics (formerly Invitae), Labcorp).